The following is an entry in ClinVar:

NM_015215.4(CAMTA1):c.217C>T (p.Arg73Cys)

Gene: CAMTA1 (calmodulin binding transcription activator 1; plus strand). Cytogenetic location: 1p36.31.
Variant type: single nucleotide variant.
Coding change: c.217C>T on transcript NM_015215.4 (MANE Select); coding-DNA position 217, C replaced by T.
Protein change: p.Arg73Cys; replaces arginine 73 with cysteine.
Molecular consequence: missense variant. On other transcripts: non-coding transcript variant (4).
Genome position (GRCh38, 1-based): chr1:6,825,193, C>T. VCF-style: chr1-6825193-C-T. GRCh37 (hg19) VCF-style: chr1-6885253-C-T.
Other names: c.217C>T, p.Arg73Cys (NM_001195563.2, NM_001242701.2, NM_001349609.2 and 1 more transcripts); c.127C>T, p.Arg43Cys (NM_001349608.2, NM_001349612.2); c.253C>T, p.Arg85Cys (NM_001349627.2); c.217C>T (NM_015215.2); short protein forms R73C, R43C, R85C.
Identifiers: ClinVar variation 422940 (VCV000422940.23), dbSNP rs1064796110, ClinGen allele CA16617182.

ClinVar aggregate classification (germline): Uncertain significance. Review status: criteria provided, multiple submitters, no conflicts (2 of 4 stars). 4 submissions from 4 submitters: Uncertain significance (4). Last evaluated 2025-08-30.

Conditions:
Inborn genetic diseases. Identifiers: MedGen C0950123, MeSH D030342.

Allele frequency attached by ClinVar (database versions not stated): gnomAD exomes below 0.00001.
gnomAD v4.1: 1 of 1,596,686 alleles (0.000063%); highest among the groups gnomAD compares: Non-Finnish European, 0.000085%; no homozygotes.

Submissions (4):

Ambry Genetics
Classification: Uncertain significance for Inborn genetic diseases. Last evaluated: 2025-08-30. Review status: criteria provided, single submitter. Criteria: Ambry Variant Classification Scheme 2023. Collection method: clinical testing. Allele origin: germline.

CeGaT Center for Human Genetics Tuebingen
Classification: Uncertain significance. Last evaluated: 2024-07-01. Review status: criteria provided, single submitter. Criteria: CeGaT Center For Human Genetics Tuebingen Variant Classification Criteria Version 2. Collection method: clinical testing. Allele origin: germline. Affected: yes. Observed: 1 variant allele.
Comment: CAMTA1: PM2

Labcorp Genetics (formerly Invitae), Labcorp
Classification: Uncertain significance. Last evaluated: 2023-12-05. Review status: criteria provided, single submitter. Criteria: Invitae Variant Classification Sherloc (09022015). Collection method: clinical testing. Allele origin: germline.
Comment: This sequence change replaces arginine, which is basic and polar, with cysteine, which is neutral and slightly polar, at codon 73 of the CAMTA1 protein (p.Arg73Cys). This variant is not present in population databases (gnomAD no frequency). This variant has not been reported in the literature in individuals affected with CAMTA1-related conditions. ClinVar contains an entry for this variant (Variation ID: 422940). An algorithm developed to predict the effect of missense changes on protein structure and function (PolyPhen-2) suggests that this variant is likely to be disruptive. In summary, the available evidence is currently insufficient to determine the role of this variant in disease. Therefore, it has been classified as a Variant of Uncertain Significance.

GeneDx
Classification: Uncertain significance. Last evaluated: 2016-12-23. Review status: criteria provided, single submitter. Criteria: GeneDx Variant Classification (06012015). Collection method: clinical testing. Allele origin: germline. Affected: yes.
Comment: The R73C variant in the CAMTA1 gene has not been reported previously as a pathogenic variant, nor as a benign variant, to our knowledge. The R73C variant was not observed in approximately 6500 individuals of European and African American ancestry in the NHLBI Exome Sequencing Project, indicating it is not a common benign variant in these populations. The R73C variant is a non-conservative amino acid substitution, which is likely to impact secondary protein structure as these residues differ in polarity, charge, size and/or other properties. This substitution occurs at a position that is conserved across species. In silico analysis predicts this variant is probably damaging to the protein structure/function. We interpret R73C as a variant of uncertain significance.